The following is an entry in ClinVar:

ClinVar aggregate classification (germline): Uncertain significance (1 of 4 stars; one submission).

Submission:

CeGaT Center for Human Genetics Tuebingen
Classification: Uncertain significance. Last evaluated: 2025-12-01. Review status: criteria provided, single submitter. Criteria: CeGaT Center For Human Genetics Tuebingen Variant Classification Criteria Version 2. Collection method: clinical testing. Allele origin: germline. Affected: yes. Observed: 1 variant allele.
Comment: KCNQ2: PM2, PM1:Supporting, PP2

NM_172107.4(KCNQ2):c.895C>T (p.Leu299Phe)

Gene: KCNQ2 (potassium voltage-gated channel subfamily Q member 2; minus strand). Cytogenetic location: 20q13.33.
Variant type: single nucleotide variant.
Coding change: c.895C>T on transcript NM_172107.4 (MANE Select); coding-DNA position 895, C replaced by T.
Protein change: p.Leu299Phe; replaces leucine 299 with phenylalanine.
Molecular consequence: missense variant.
Genome position (GRCh38, 1-based): chr20:63,439,630, G>A on the plus strand (C>T on the coding strand, the complement: KCNQ2 is on the minus strand). VCF-style: chr20-63439630-G-A. GRCh37 (hg19) VCF-style: chr20-62070983-G-A.
Other names: c.895C>T, p.Leu299Phe (NM_172108.5, NM_172109.3, NM_001382235.1 and 4 more transcripts); short protein forms L299F.
Identifiers: ClinVar variation 4682065 (VCV004682065.5).